The following is an entry in ClinVar:

ClinVar aggregate classification (germline): Uncertain significance. Review status: criteria provided, multiple submitters, no conflicts (2 of 4 stars). 2 submissions from 2 submitters: Uncertain significance (2). Last evaluated 2024-04-30.

Conditions:
RYR1-related disorder. Also called: RYR1-related disorders; RYR1-related condition. Identifiers: MedGen CN239331.

gnomAD v4.1: 16 of 1,367,428 alleles (0.0012%); highest among the groups gnomAD compares: Admixed American, 0.011%; no homozygotes.

Submissions (2):

Labcorp Genetics (formerly Invitae), Labcorp
Classification: Uncertain significance for RYR1-related disorder. Last evaluated: 2024-04-30. Review status: criteria provided, single submitter. Criteria: Invitae Variant Classification Sherloc (09022015). Collection method: clinical testing. Allele origin: germline.
Comment: This sequence change falls in intron 48 of the RYR1 gene. It does not directly change the encoded amino acid sequence of the RYR1 protein. This variant is present in population databases (rs755502084, gnomAD 0.01%). This variant has not been reported in the literature in individuals affected with RYR1-related conditions. ClinVar contains an entry for this variant (Variation ID: 590596). Algorithms developed to predict the effect of sequence changes on RNA splicing suggest that this variant may disrupt the consensus splice site. In summary, the available evidence is currently insufficient to determine the role of this variant in disease. Therefore, it has been classified as a Variant of Uncertain Significance.

PreventionGenetics, part of Exact Sciences
Classification: Uncertain significance. Last evaluated: 2013-10-25. Review status: criteria provided, single submitter. Criteria: ACMG Guidelines, 2015. Collection method: clinical testing. Allele origin: germline.

NM_000540.3(RYR1):c.7835+12C>T

Gene: RYR1 (ryanodine receptor 1; plus strand). Cytogenetic location: 19q13.2.
Variant type: single nucleotide variant.
Coding change: c.7835+12C>T on transcript NM_000540.3 (MANE Select); 12 bases into the intron after coding-DNA position 7835, C replaced by T.
Molecular consequence: intron variant.
Genome position (GRCh38, 1-based): chr19:38,502,739, C>T. VCF-style: chr19-38502739-C-T. GRCh37 (hg19) VCF-style: chr19-38993379-C-T.
Other names: c.7835+12C>T (NM_001042723.2).
Identifiers: ClinVar variation 590596 (VCV000590596.6), dbSNP rs755502084, ClinGen allele CA070375.
Genomic context (GRCh38, chr19:38,502,739, plus strand): 5'-CCAAGGCGCAGCGTGACGTCATCGAGGACTGCCTCATGTCGCTCTGCAGGTGGAGCGGGG[C>T]AGGCTTCAGGGTGGGGCAGGGGCAGGGGCAGGGGCAGGGGCAGGGGCAGGGGCAGGGGCA-3'